The following is an entry in ClinVar:

ClinVar aggregate classification (germline): Likely benign (1 of 4 stars; one submission).

Submission:

Women's Health and Genetics/Laboratory Corporation of America, LabCorp
Classification: Likely benign. Last evaluated: 2026-04-20. Review status: criteria provided, single submitter. Criteria: LabCorp Variant Classification Summary - May 2015. Collection method: clinical testing. Allele origin: germline.
Comment: Variant summary: PKD1 c.3282C>A alters a non-conserved nucleotide resulting in a synonymous change. Consensus agreement among computation tools predict no significant impact on normal splicing. However, these predictions have yet to be confirmed by functional studies. The variant was absent in 223386 control chromosomes. The available data on variant occurrences in the general population are insufficient to allow any conclusion about variant significance. To our knowledge, no occurrence of c.3282C>A in individuals affected with PKD1-related conditions and no experimental evidence demonstrating its impact on protein function have been reported. No submitters have cited clinical-significance assessments for this variant to ClinVar. Based on the evidence outlined above, the variant was classified as likely benign.

NM_001009944.3(PKD1):c.3282C>A (p.Thr1094=)

Gene: PKD1 (polycystin 1, transient receptor potential channel interacting; minus strand). Cytogenetic location: 16p13.3.
Variant type: single nucleotide variant.
Coding change: c.3282C>A on transcript NM_001009944.3 (MANE Select); coding-DNA position 3282, C replaced by A.
Protein change: p.Thr1094=; no amino-acid change (threonine 1094 retained).
Molecular consequence: synonymous variant.
Genome position (GRCh38, 1-based): chr16:2,112,353, G>T on the plus strand (C>A on the coding strand, the complement: PKD1 is on the minus strand). VCF-style: chr16-2112353-G-T. GRCh37 (hg19) VCF-style: chr16-2162354-G-T.
Other names: c.3282C>A, p.Thr1094= (NM_000296.4).
Identifiers: ClinVar variation 4848425 (VCV004848425.1).